The following is an entry in ClinVar:

NM_014319.5(LEMD3):c.2663C>T (p.Ser888Leu)

Gene: LEMD3 (LEM domain containing 3; plus strand). Cytogenetic location: 12q14.3.
Variant type: single nucleotide variant.
Coding change: c.2663C>T on transcript NM_014319.5 (MANE Select); coding-DNA position 2663, C replaced by T.
Protein change: p.Ser888Leu; replaces serine 888 with leucine.
Molecular consequence: missense variant.
Genome position (GRCh38, 1-based): chr12:65,246,252, C>T. VCF-style: chr12-65246252-C-T. GRCh37 (hg19) VCF-style: chr12-65640032-C-T.
Other names: c.2660C>T, p.Ser887Leu (NM_001167614.2); short protein forms S887L, S888L.
Identifiers: ClinVar variation 4741397 (VCV004741397.1).

ClinVar aggregate classification (germline): Uncertain significance (1 of 4 stars; one submission).

Submission:

Labcorp Genetics (formerly Invitae), Labcorp
Classification: Uncertain significance. Last evaluated: 2025-09-29. Review status: criteria provided, single submitter. Criteria: Invitae Variant Classification Sherloc (09022015). Collection method: clinical testing. Allele origin: germline.
Comment: This sequence change replaces serine, which is neutral and polar, with leucine, which is neutral and non-polar, at codon 888 of the LEMD3 protein (p.Ser888Leu). This variant is not present in population databases (gnomAD no frequency). This variant has not been reported in the literature in individuals affected with LEMD3-related conditions. Invitae Evidence Modeling of protein sequence and biophysical properties (such as structural, functional, and spatial information, amino acid conservation, physicochemical variation, residue mobility, and thermodynamic stability) indicates that this missense variant is expected to disrupt LEMD3 protein function with a positive predictive value of 80%. In summary, the available evidence is currently insufficient to determine the role of this variant in disease. Therefore, it has been classified as a Variant of Uncertain Significance.